The following is an entry in ClinVar:

ClinVar aggregate classification (germline): Uncertain significance. Review status: criteria provided, multiple submitters, no conflicts (2 of 4 stars). 2 submissions from 2 submitters: Uncertain significance (2). Last evaluated 2022-04-15.

Allele frequency attached by ClinVar (database versions not stated): TOPMed below 0.00001; gnomAD 0.00001.
gnomAD v4.1: 12 of 1,353,748 alleles (0.00089%); highest among the groups gnomAD compares: Non-Finnish European, 0.00095%; no homozygotes.

Submissions (2):

Labcorp Genetics (formerly Invitae), Labcorp
Classification: Uncertain significance. Last evaluated: 2022-04-15. Review status: criteria provided, single submitter. Criteria: Invitae Variant Classification Sherloc (09022015). Collection method: clinical testing. Allele origin: germline.
Comment: ClinVar contains an entry for this variant (Variation ID: 1321711). In summary, the available evidence is currently insufficient to determine the role of this variant in disease. Therefore, it has been classified as a Variant of Uncertain Significance. Algorithms developed to predict the effect of missense changes on protein structure and function are either unavailable or do not agree on the potential impact of this missense change (SIFT: "Deleterious"; PolyPhen-2: "Probably Damaging"; Align-GVGD: "Class C0"). This variant has not been reported in the literature in individuals affected with OTOGL-related conditions. This variant is not present in population databases (gnomAD no frequency). This sequence change replaces proline, which is neutral and non-polar, with serine, which is neutral and polar, at codon 1208 of the OTOGL protein (p.Pro1208Ser).

GeneDx
Classification: Uncertain significance. Last evaluated: 2021-11-09. Review status: criteria provided, single submitter. Criteria: GeneDx Variant Classification Process June 2021. Collection method: clinical testing. Allele origin: germline. Affected: yes.
Comment: Not observed at significant frequency in large population cohorts (Lek et al., 2016); In silico analysis supports that this missense variant has a deleterious effect on protein structure/function; Has not been previously published as pathogenic or benign to our knowledge

NM_001378609.3(OTOGL):c.3649C>T (p.Pro1217Ser)

Gene: OTOGL (otogelin like; plus strand). Cytogenetic location: 12q21.31.
Variant type: single nucleotide variant.
Coding change: c.3649C>T on transcript NM_001378609.3 (MANE Select); coding-DNA position 3649, C replaced by T.
Protein change: p.Pro1217Ser; replaces proline 1217 with serine.
Molecular consequence: missense variant.
Genome position (GRCh38, 1-based): chr12:80,318,560, C>T. VCF-style: chr12-80318560-C-T. GRCh37 (hg19) VCF-style: chr12-80712340-C-T.
Other names: c.3514C>T, p.Pro1172Ser (NM_001368062.3); c.3649C>T, p.Pro1217Ser (NM_001378610.3, NM_173591.7); short protein forms P1172S, P1217S.
Identifiers: ClinVar variation 1321711 (VCV001321711.6), dbSNP rs1398207365, ClinGen allele CA385867017.